The following is an entry in ClinVar:

ClinVar aggregate classification (germline): Pathogenic (1 of 4 stars; one submission).

Conditions:
Autosomal recessive limb-girdle muscular dystrophy type 2Y (MRRSDC). Also called: Muscular dystrophy, limb-girdle, type 2y; Muscular dystrophy, autosomal recessive, with rigid spine and distal joint contractures. Identifiers: Orphanet 424261, MedGen C4511482, MONDO:0014900, OMIM 617072.

Submission:

Labcorp Genetics (formerly Invitae), Labcorp
Classification: Pathogenic for Autosomal recessive limb-girdle muscular dystrophy type 2Y. Last evaluated: 2019-04-24. Review status: criteria provided, single submitter. Criteria: Invitae Variant Classification Sherloc (09022015). Collection method: clinical testing. Allele origin: germline.
Comment: For these reasons, this variant has been classified as Pathogenic. Loss-of-function variants in TOR1AIP1 are known to be pathogenic (PMID: 4856141, 27342937). This variant has not been reported in the literature in individuals with TOR1AIP1-related conditions. This variant is not present in population databases (ExAC no frequency). This sequence change creates a premature translational stop signal (p.Glu223Lysfs*36) in the TOR1AIP1 gene. It is expected to result in an absent or disrupted protein product.

Literature cited by the submitters: PubMed 4856141; PubMed 27342937.

NM_015602.4(TOR1AIP1):c.663del (p.Glu222fs)

Gene: TOR1AIP1 (torsin 1A interacting protein 1; plus strand). Cytogenetic location: 1q25.2.
Variant type: Deletion.
Coding change: c.663del on transcript NM_015602.4 (MANE Select); coding-DNA position 663, one base deleted (A; older notation c.663delA).
Protein change: p.Glu222fs; shifts the reading frame from glutamic acid 222.
Molecular consequence: frameshift variant.
Genome position (GRCh38, 1-based): chr1:179,901,312, A deleted; the last of 2 consecutive A bases (chr1:179,901,311-179,901,312); deleting either gives the same sequence. VCF-style (leftmost placement, unchanged base first): chr1-179901310-GA-G. GRCh37 (hg19) VCF-style: chr1-179870445-GA-G.
Other names: c.666del, p.Glu223fs (NM_001267578.2); short protein forms E222fs, E223fs.
Identifiers: ClinVar variation 950989 (VCV000950989.7), dbSNP rs1648457474, ClinGen allele CA1139656432.